The following is an entry in ClinVar:

NM_001128225.3(SLC39A13):c.795C>T (p.Asp265=)

Gene: SLC39A13 (solute carrier family 39 member 13; plus strand). Cytogenetic location: 11p11.2.
Variant type: single nucleotide variant.
Coding change: c.795C>T on transcript NM_001128225.3 (MANE Select); coding-DNA position 795, C replaced by T.
Protein change: p.Asp265=; no amino-acid change (aspartic acid 265 retained).
Molecular consequence: synonymous variant. On other transcripts: non-coding transcript variant (1).
Genome position (GRCh38, 1-based): chr11:47,414,785, C>T. VCF-style: chr11-47414785-C-T. GRCh37 (hg19) VCF-style: chr11-47436336-C-T.
Other names: c.795C>T, p.Asp265= (NM_001330245.2, NM_152264.5).
Identifiers: ClinVar variation 515530 (VCV000515530.12), dbSNP rs762829962, ClinGen allele CA5975955.

ClinVar aggregate classification (germline): Likely benign. Review status: criteria provided, multiple submitters, no conflicts (2 of 4 stars). 2 submissions from 2 submitters: Likely benign (2). Last evaluated 2019-01-27.

Conditions:
Ehlers-Danlos syndrome, spondylodysplastic type, 3. Also called: Ehlers-Danlos syndrome, spondylocheirodysplastic type. Identifiers: Orphanet 157965, MedGen C2676510, MONDO:0012873, OMIM 612350.

Allele frequency attached by ClinVar (database versions not stated): ExAC 0.00001; gnomAD exomes 0.00001 and 0.00002; TOPMed 0.00002.
gnomAD v4.1: 7 of 1,609,314 alleles (0.00043%); highest among the groups gnomAD compares: Admixed American, 0.01%; no homozygotes.

Submissions (2):

Labcorp Genetics (formerly Invitae), Labcorp
Classification: Likely benign for Ehlers-Danlos syndrome, spondylodysplastic type, 3. Last evaluated: 2019-01-27. Review status: criteria provided, single submitter. Criteria: Invitae Variant Classification Sherloc (09022015). Collection method: clinical testing. Allele origin: germline.

GeneDx
Classification: Likely benign. Last evaluated: 2018-02-16. Review status: criteria provided, single submitter. Criteria: GeneDx Variant Classification (06012015). Collection method: clinical testing. Allele origin: germline. Affected: yes.
Comment: This variant is considered likely benign or benign based on one or more of the following criteria: it is a conservative change, it occurs at a poorly conserved position in the protein, it is predicted to be benign by multiple in silico algorithms, and/or has population frequency not consistent with disease.